The following is an entry in ClinVar:

NM_001613.4(ACTA2):c.259-8C>T

Gene: ACTA2 (actin alpha 2, smooth muscle; minus strand). Cytogenetic location: 10q23.31.
Variant type: single nucleotide variant.
Coding change: c.259-8C>T on transcript NM_001613.4 (MANE Select); 8 bases into the intron before coding-DNA position 259, C replaced by T.
Molecular consequence: intron variant.
Genome position (GRCh38, 1-based): chr10:88,943,915, G>A on the plus strand (C>T on the coding strand, the complement: ACTA2 is on the minus strand). VCF-style: chr10-88943915-G-A. GRCh37 (hg19) VCF-style: chr10-90703672-G-A.
Other names: c.259-8C>T (NM_001613.2, NM_001320855.2, NM_001406462.1 and 4 more transcripts); c.130-8C>T (NM_001406467.1, NM_001406468.1, NM_001406469.1); c.259-2046C>T (NM_001406466.1).
Identifiers: ClinVar variation 922906 (VCV000922906.15), dbSNP rs771519428, ClinGen allele CA027261.

ClinVar aggregate classification (germline): Likely benign. Review status: criteria provided, multiple submitters, no conflicts (2 of 4 stars). 4 submissions from 4 submitters: Likely benign (3). 1 of the submissions does not count toward it. Last evaluated 2025-10-03.

Conditions:
ACTA2-related disorder. Also called: ACTA2-related condition; ACTA2-related disorders.
Aortic aneurysm, familial thoracic 6 (AAT6). Also called: FAMILIAL THORACIC AORTIC ANEURYSM WITH LIVEDO RETICULARIS AND IRIS FLOCCULI. Identifiers: MedGen C2673186, MONDO:0012730, OMIM 611788.
Familial thoracic aortic aneurysm and aortic dissection (TAAD). Also called: Thoracic aortic aneurysms and dissections. Identifiers: Orphanet 91387, MedGen C4707243, MONDO:0019625.

Allele frequency attached by ClinVar (database versions not stated): gnomAD 0.00001; ExAC 0.00002; gnomAD exomes 0.00002.

Submissions (4):

Labcorp Genetics (formerly Invitae), Labcorp
Classification: Likely benign for Aortic aneurysm, familial thoracic 6. Last evaluated: 2025-10-03. Review status: criteria provided, single submitter. Criteria: Invitae Variant Classification Sherloc (09022015). Collection method: clinical testing. Allele origin: germline.

Blueprint Genetics
Classification: Likely benign. Last evaluated: 2024-01-12. Review status: criteria provided, single submitter. Criteria: ACMG Guidelines, 2015. Collection method: clinical testing. Allele origin: germline.

Color Diagnostics, LLC DBA Color Health
Classification: Likely benign for Familial thoracic aortic aneurysm and aortic dissection. Last evaluated: 2019-01-08. Review status: criteria provided, single submitter. Criteria: ACMG Guidelines, 2015. Collection method: clinical testing. Allele origin: germline.

PreventionGenetics, part of Exact Sciences
Classification: Likely benign for ACTA2-related condition. Last evaluated: 2021-10-15. Review status: no assertion criteria provided. Collection method: clinical testing. Allele origin: germline. Not counted in ClinVar's aggregate classification.
Comment: This variant is classified as likely benign based on ACMG/AMP sequence variant interpretation guidelines (Richards et al. 2015 PMID: 25741868, with internal and published modifications).